The following is an entry in ClinVar:

ClinVar aggregate classification (germline): Uncertain significance (1 of 4 stars; one submission).

Conditions:
Retinal disorder. Also called: Retinopathies; Retinal Diseases; Retinal disorders; Retinopathy. Identifiers: MedGen C0035309, MONDO:0005283, HP:0000488.

Submission:

Genetics Laboratory, Great Ormond Street Hospital NHS Foundation Trust, North Thames Genomic Laboratory Hub
Classification: Uncertain significance for Retinal disorders. Last evaluated: 2025-09-24. Review status: criteria provided, single submitter. Criteria: ACGS Best Practice Guidelines for Variant Classification in Rare Disease 2024 v1.2. Collection method: clinical testing. Allele origin: germline. Affected: yes.
Comment: PM2_moderate, PP3_supporting, PM3_supporting

NM_025132.4(WDR19):c.1776A>G (p.Gln592=)

Gene: WDR19 (WD repeat domain 19; plus strand). Cytogenetic location: 4p14.
Variant type: single nucleotide variant.
Coding change: c.1776A>G on transcript NM_025132.4 (MANE Select); coding-DNA position 1776, A replaced by G.
Protein change: p.Gln592=; no amino-acid change (glutamine 592 retained).
Molecular consequence: synonymous variant.
Genome position (GRCh38, 1-based): chr4:39,228,356, A>G. VCF-style: chr4-39228356-A-G. GRCh37 (hg19) VCF-style: chr4-39229976-A-G.
Other names: c.1296A>G, p.Gln432= (NM_001317924.2).
Identifiers: ClinVar variation 4530628 (VCV004530628.1).